The following is an entry in ClinVar:

ClinVar aggregate classification (germline): Likely benign (1 of 4 stars; one submission).

Submission:

Mayo Clinic Laboratories, Mayo Clinic
Classification: Likely benign. Last evaluated: 2025-10-18. Review status: criteria provided, single submitter. Criteria: ACMG Guidelines, 2015. Collection method: clinical testing. Allele origin: germline. Observed: 2 variant alleles.
Comment: BP4, BP7

NM_001365276.2(TNXB):c.11925+7C>T

Genes: TNXB (tenascin XB; minus strand), LOC106780803 (tenascin XB recombination region; plus strand). Cytogenetic location: 6p21.33.
Variant type: single nucleotide variant.
Coding change: c.11925+7C>T on transcript NM_001365276.2 (MANE Select); 7 bases into the intron after coding-DNA position 11925, C replaced by T.
Molecular consequence: intron variant.
Genome position (GRCh38, 1-based): chr6:32,042,944, G>A on the plus strand (C>T on the coding strand, the complement: TNXB is on the minus strand). VCF-style: chr6-32042944-G-A. GRCh37 (hg19) VCF-style: chr6-32010721-G-A.
Other names: p.?; c.11919+7C>T (NM_019105.8); c.12666+7C>T (NM_001428335.1); c.1212+7C>T (NM_032470.4).
Identifiers: ClinVar variation 4684936 (VCV004684936.1).
Genomic context (GRCh38, chr6:32,042,944, plus strand): 5'-GAGGGCCAGAGGCAGCACCTCCTGGAATCACCCAGGGAGGGGAGTTGGGTCAGTGGGGCC[G>A]GGGCACCTGGTTCTGTCCACCAGGGGTGTGGAAGCTGAGCAGGTAGCCTGCGGGCCGGAC-3'